The following is an entry in ClinVar:

ClinVar aggregate classification (germline): Uncertain significance. Review status: criteria provided, multiple submitters, no conflicts (2 of 4 stars). 3 submissions from 3 submitters: Uncertain significance (3). Last evaluated 2023-04-11.

Conditions:
Developmental and epileptic encephalopathy, 18 (DEE18). Also called: Early infantile epileptic encephalopathy 18. Identifiers: Orphanet 369894, MedGen C3809624, MONDO:0014201, OMIM 615476.
Inborn genetic diseases. Identifiers: MedGen C0950123, MeSH D030342.

Allele frequency attached by ClinVar (database versions not stated): ExAC 0.00001.
gnomAD v4.1: 7 of 1,613,092 alleles (0.00043%); highest among the groups gnomAD compares: South Asian, 0.0011%; no homozygotes.

Submissions (3):

Genome-Nilou Lab
Classification: Uncertain significance for Developmental and epileptic encephalopathy, 18. Last evaluated: 2023-04-11. Review status: criteria provided, single submitter. Criteria: ACMG Guidelines, 2015. Collection method: clinical testing. Allele origin: germline. Affected: no.

Labcorp Genetics (formerly Invitae), Labcorp
Classification: Uncertain significance. Last evaluated: 2021-08-14. Review status: criteria provided, single submitter. Criteria: Invitae Variant Classification Sherloc (09022015). Collection method: clinical testing. Allele origin: germline.
Comment: This sequence change replaces serine with asparagine at codon 1137 of the SZT2 protein (p.Ser1137Asn). The serine residue is highly conserved and there is a small physicochemical difference between serine and asparagine. This variant is present in population databases (rs774726886, ExAC 0.002%). This variant has not been reported in the literature in individuals affected with SZT2-related conditions. Algorithms developed to predict the effect of missense changes on protein structure and function are either unavailable or do not agree on the potential impact of this missense change (SIFT: "Tolerated"; PolyPhen-2: "Possibly Damaging"; Align-GVGD: "Class C0"). In summary, the available evidence is currently insufficient to determine the role of this variant in disease. Therefore, it has been classified as a Variant of Uncertain Significance.

Ambry Genetics
Classification: Uncertain significance for Inborn genetic diseases. Last evaluated: 2017-09-18. Review status: criteria provided, single submitter. Criteria: Ambry Variant Classification Scheme 2023. Collection method: clinical testing. Allele origin: germline.
Comment: The p.S1137N variant (also known as c.3410G>A), located in coding exon 24 of the SZT2 gene, results from a G to A substitution at nucleotide position 3410. The serine at codon 1137 is replaced by asparagine, an amino acid with highly similar properties. This amino acid position is well conserved in available vertebrate species. In addition, this alteration is predicted to be tolerated by in silico analysis. Since supporting evidence is limited at this time, the clinical significance of this alteration remains unclear.

NM_001365999.1(SZT2):c.3581G>A (p.Ser1194Asn)

Gene: SZT2 (SZT2 subunit of KICSTOR complex; plus strand). Cytogenetic location: 1p34.2.
Variant type: single nucleotide variant.
Coding change: c.3581G>A on transcript NM_001365999.1 (MANE Select); coding-DNA position 3581, G replaced by A.
Protein change: p.Ser1194Asn; replaces serine 1194 with asparagine.
Molecular consequence: missense variant.
Genome position (GRCh38, 1-based): chr1:43,427,428, G>A. VCF-style: chr1-43427428-G-A. GRCh37 (hg19) VCF-style: chr1-43893099-G-A.
Other names: c.3410G>A, p.Ser1137Asn (NM_015284.4); short protein forms S1194N, S1137N.
Identifiers: ClinVar variation 1420441 (VCV001420441.7), dbSNP rs774726886, ClinGen allele CA809026.
Genomic context (GRCh38, chr1:43,427,428, plus strand): 5'-GTCTGAAAGATCTAGGAGGAACTGGGATCAAAGCTACAAAGTCCCACGTCCCTGTCCTCA[G>A]TGTGACCCTGGCTAGTGGTAAGGCTGCCGACTCAAGGTGGGCAGGAGTGGGAGTGGGAAA-3'
Protein context (NP_001352928.1, residues 1184-1204): KATKSHVPVL[Ser1194Asn]VTLASDNAQN